The following is an entry in ClinVar:

NM_152641.4(ARID2):c.2797G>A (p.Ala933Thr)

Gene: ARID2 (AT-rich interaction domain 2; plus strand). Cytogenetic location: 12q12.
Variant type: single nucleotide variant.
Coding change: c.2797G>A on transcript NM_152641.4 (MANE Select); coding-DNA position 2797, G replaced by A.
Protein change: p.Ala933Thr; replaces alanine 933 with threonine.
Molecular consequence: missense variant.
Genome position (GRCh38, 1-based): chr12:45,850,920, G>A. VCF-style: chr12-45850920-G-A. GRCh37 (hg19) VCF-style: chr12-46244703-G-A.
Other names: c.2797G>A, p.Ala933Thr (NM_001347839.2); c.2797G>A (NM_152641.2); short protein forms A933T.
Identifiers: ClinVar variation 3250834 (VCV003250834.19), dbSNP rs145505205.

ClinVar aggregate classification (germline): Likely benign. Review status: criteria provided, multiple submitters, no conflicts (2 of 4 stars). 2 submissions from 2 submitters: Likely benign (2). Last evaluated 2025-08-21.

Conditions:
Inborn genetic diseases. Identifiers: MedGen C0950123, MeSH D030342.

Allele frequency attached by ClinVar (database versions not stated): ExAC 0.00005; TOPMed 0.00005; ESP Exome Variant Server 0.00008.
gnomAD v4.1: 97 of 1,613,998 alleles (0.006%); highest among the groups gnomAD compares: Middle Eastern, 0.016%; no homozygotes.

Submissions (2):

Ambry Genetics
Classification: Likely benign for Inborn genetic diseases. Last evaluated: 2025-08-21. Review status: criteria provided, single submitter. Criteria: Ambry Variant Classification Scheme 2023. Collection method: clinical testing. Allele origin: germline.

CeGaT Center for Human Genetics Tuebingen
Classification: Likely benign. Last evaluated: 2024-06-01. Review status: criteria provided, single submitter. Criteria: CeGaT Center For Human Genetics Tuebingen Variant Classification Criteria Version 2. Collection method: clinical testing. Allele origin: germline. Affected: yes. Observed: 1 variant allele.
Comment: ARID2: BP4